The following is an entry in ClinVar:

ClinVar aggregate classification (germline): Uncertain significance (1 of 4 stars; one submission).

Submission:

GeneDx
Classification: Uncertain significance. Last evaluated: 2022-03-22. Review status: criteria provided, single submitter. Criteria: GeneDx Variant Classification Process June 2021. Collection method: clinical testing. Allele origin: germline. Affected: yes.
Comment: Not observed at significant frequency in large population cohorts (gnomAD); In silico analysis supports that this variant does not alter splicing; Has not been previously published as pathogenic or benign to our knowledge

NM_001083962.2(TCF4):c.923-11del

Gene: TCF4 (transcription factor 4; minus strand). Cytogenetic location: 18q21.2.
Variant type: Deletion.
Coding change: c.923-11del on transcript NM_001083962.2 (MANE Select); 11 bases into the intron before coding-DNA position 923, one base deleted (T; older notation c.923-11delT).
Molecular consequence: intron variant.
Genome position (GRCh38, 1-based): chr18:55,261,544, A deleted on the plus strand (T on the coding strand, the reverse complement: TCF4 is on the minus strand); the first of 4 consecutive A bases (chr18:55,261,544-55,261,547); deleting any one gives the same sequence. VCF-style (leftmost placement, unchanged base first): chr18-55261543-CA-C. GRCh37 (hg19) VCF-style: chr18-52928774-CA-C.
Other names: c.851-11del (NM_001369583.1, NM_001369575.1, NM_001369580.1 and 9 more transcripts); c.920-11del (NM_001369573.1, NM_001369570.1, NM_001369569.1); c.923-11del (NM_001369574.1, NM_001330604.3, NM_003199.3 and 4 more transcripts); c.848-11del (NM_001369581.1, NM_001348220.1, NM_001369584.1 and 3 more transcripts); c.797-11del (NM_001243231.2, NM_001348211.2); c.533-11del (NM_001348212.2, NM_001348213.2, NM_001243233.2 and 1 more transcripts); c.443-11del (NM_001348214.2, NM_001243235.2, NM_001243234.2 and 2 more transcripts); c.275-11del (NM_001348215.2); and 4 more.
Identifiers: ClinVar variation 1706883 (VCV001706883.2), dbSNP rs2512296321, ClinGen allele CA2580095927.